The following is an entry in ClinVar:

ClinVar aggregate classification (germline): Pathogenic (1 of 4 stars; one submission).

Conditions:
Methylmalonic aciduria and homocystinuria type cblF. Also called: VITAMIN B12 LYSOSOMAL RELEASE DEFECT; VITAMIN B12 STORAGE DISEASE; COBALAMIN F DISEASE; COBALAMIN, DEFECT IN LYSOSOMAL RELEASE OF; METHYLMALONIC ACIDEMIA AND HOMOCYSTINURIA, cblF TYPE; METHYLMALONIC ACIDURIA DUE TO VITAMIN B12-RELEASE DEFECT. Identifiers: Orphanet 79284, MedGen C1848578, MONDO:0010183, OMIM 277380.

Submission:

Labcorp Genetics (formerly Invitae), Labcorp
Classification: Pathogenic for Methylmalonic aciduria and homocystinuria type cblF. Last evaluated: 2023-10-08. Review status: criteria provided, single submitter. Criteria: Invitae Variant Classification Sherloc (09022015). Collection method: clinical testing. Allele origin: germline.
Comment: This sequence change creates a premature translational stop signal (p.Met205Serfs*5) in the LMBRD1 gene. It is expected to result in an absent or disrupted protein product. Loss-of-function variants in LMBRD1 are known to be pathogenic (PMID: 19136951, 21303734). This variant is not present in population databases (gnomAD no frequency). This variant has not been reported in the literature in individuals affected with LMBRD1-related conditions. For these reasons, this variant has been classified as Pathogenic.

Literature cited by the submitters: PubMed 19136951; PubMed 21303734.

NM_018368.4(LMBRD1):c.614del (p.Met205fs)

Gene: LMBRD1 (LMBR1 domain containing 1; minus strand). Cytogenetic location: 6q13.
Variant type: Deletion.
Coding change: c.614del on transcript NM_018368.4 (MANE Select); coding-DNA position 614, one base deleted (T; older notation c.614delT).
Protein change: p.Met205fs; shifts the reading frame from methionine 205.
Molecular consequence: frameshift variant.
Genome position (GRCh38, 1-based): chr6:69,737,964, A deleted on the plus strand (T on the coding strand, the reverse complement: LMBRD1 is on the minus strand). VCF-style (leftmost placement, unchanged base first): chr6-69737963-CA-C. GRCh37 (hg19) VCF-style: chr6-70447855-CA-C.
Other names: c.395del, p.Met132fs (NM_001363722.2, NM_001367271.1, NM_001367272.1); short protein forms M132fs, M205fs.
Identifiers: ClinVar variation 2780339 (VCV002780339.3), dbSNP rs2481377410, ClinGen allele CA2739273197.
Genomic context (GRCh38, chr6:69,737,963, plus strand): 5'-ATAAGGCAATTTTAACTCAATTATCCCCATTTCACTTACTGTGTAAGTTATAGCTGCCAA[CA>C]TTCCAATCAAGGTCAGAGAACTGATAGAAAATGACAATGCAGCTAAACCATCTGTGAAGA-3'